The following is an entry in ClinVar:

ClinVar aggregate classification (germline): Uncertain significance (1 of 4 stars; one submission).

Conditions:
KBG syndrome (KBGS). Also called: ANKRD11-Related KBG Syndrome. Identifiers: Orphanet 2332, MedGen C0220687, MONDO:0007846, OMIM 148050.

Submission:

Baylor Genetics
Classification: Uncertain significance for KBG syndrome. Last evaluated: 2019-08-15. Review status: criteria provided, single submitter. Criteria: ACMG Guidelines, 2015. Collection method: clinical testing. Allele origin: unknown. Affected: yes.
Comment: This variant was determined to be of uncertain significance according to ACMG Guidelines, 2015 [PMID:25741868].

NM_013275.6(ANKRD11):c.6874G>A (p.Asp2292Asn)

Gene: ANKRD11 (ankyrin repeat domain 11; minus strand). Cytogenetic location: 16q24.3.
Variant type: single nucleotide variant.
Coding change: c.6874G>A on transcript NM_013275.6 (MANE Select); coding-DNA position 6874, G replaced by A.
Protein change: p.Asp2292Asn; replaces aspartic acid 2292 with asparagine.
Molecular consequence: missense variant.
Genome position (GRCh38, 1-based): chr16:89,279,668, C>T on the plus strand (G>A on the coding strand, the complement: ANKRD11 is on the minus strand). VCF-style: chr16-89279668-C-T. GRCh37 (hg19) VCF-style: chr16-89346076-C-T.
Other names: c.6874G>A, p.Asp2292Asn (NM_001256182.2, NM_001256183.2); short protein forms D2292N.
Identifiers: ClinVar variation 1029222 (VCV001029222.1), dbSNP rs2033997441, ClinGen allele CA397149801.
Genomic context (GRCh38, chr16:89,279,668, plus strand): 5'-GCTGGATGCCGCCAGGAGGGCCTTCGGCTGGGGCGGCGGCACGGGAGGCCTCAGTGTCGT[C>T]CTCGGGGCCGGCACCGTCTGCGGCCTGAGCTTGTGCCACAGTGTTCGGGGCGGGGCCGTC-3'
Protein context (NP_037407.4, residues 2282-2302): AQAADGAGPE[Asp2292Asn]DTEASRAAAP